The following is an entry in ClinVar:

NM_014855.3(AP5Z1):c.352G>A (p.Val118Ile)

Gene: AP5Z1 (adaptor related protein complex 5 subunit zeta 1; plus strand). Cytogenetic location: 7p22.1.
Variant type: single nucleotide variant.
Coding change: c.352G>A on transcript NM_014855.3 (MANE Select); coding-DNA position 352, G replaced by A.
Protein change: p.Val118Ile; replaces valine 118 with isoleucine.
Molecular consequence: missense variant. On other transcripts: non-coding transcript variant (1), intron variant (1).
Genome position (GRCh38, 1-based): chr7:4,781,740, G>A. VCF-style: chr7-4781740-G-A. GRCh37 (hg19) VCF-style: chr7-4821371-G-A.
Other names: c.352G>A, p.Val118Ile (LRG_1247t1); c.-103+428G>A (NM_001364858.1); short protein forms V118I.
Identifiers: ClinVar variation 645155 (VCV000645155.8), dbSNP rs765261590, ClinGen allele CA4137150.

ClinVar aggregate classification (germline): Uncertain significance (1 of 4 stars; one submission).

Conditions:
Hereditary spastic paraplegia 48. Also called: SPASTIC PARAPLEGIA 48, AUTOSOMAL RECESSIVE; Spastic paraplegia 48. Identifiers: Orphanet 306511, MedGen C3150901, MONDO:0013342, OMIM 613647.

Allele frequency attached by ClinVar (database versions not stated): gnomAD exomes below 0.00001; ExAC 0.00001; gnomAD 0.00003; TOPMed 0.00004.
gnomAD v4.1: 82 of 1,570,610 alleles (0.0052%); highest among the groups gnomAD compares: Non-Finnish European, 0.0065%; no homozygotes.

Submission:

Labcorp Genetics (formerly Invitae), Labcorp
Classification: Uncertain significance for Hereditary spastic paraplegia 48. Last evaluated: 2022-06-18. Review status: criteria provided, single submitter. Criteria: Invitae Variant Classification Sherloc (09022015). Collection method: clinical testing. Allele origin: germline.
Comment: ClinVar contains an entry for this variant (Variation ID: 645155). Algorithms developed to predict the effect of missense changes on protein structure and function (SIFT, PolyPhen-2, Align-GVGD) all suggest that this variant is likely to be tolerated. In summary, the available evidence is currently insufficient to determine the role of this variant in disease. Therefore, it has been classified as a Variant of Uncertain Significance. This sequence change replaces valine, which is neutral and non-polar, with isoleucine, which is neutral and non-polar, at codon 118 of the AP5Z1 protein (p.Val118Ile). This variant has not been reported in the literature in individuals affected with AP5Z1-related conditions. The frequency data for this variant in the population databases is considered unreliable, as metrics indicate poor data quality at this position in the gnomAD database.